The following is an entry in ClinVar:

ClinVar aggregate classification (germline): Uncertain significance (1 of 4 stars; one submission).

gnomAD v4.1: 2 of 1,612,350 alleles (0.00012%); highest among the groups gnomAD compares: South Asian, 0.0011%; no homozygotes.

Submission:

Labcorp Genetics (formerly Invitae), Labcorp
Classification: Uncertain significance. Last evaluated: 2024-07-22. Review status: criteria provided, single submitter. Criteria: Invitae Variant Classification Sherloc (09022015). Collection method: clinical testing. Allele origin: germline.
Comment: This sequence change replaces threonine, which is neutral and polar, with methionine, which is neutral and non-polar, at codon 25 of the TFAP2A protein (p.Thr25Met). This variant is not present in population databases (gnomAD no frequency). This variant has not been reported in the literature in individuals affected with TFAP2A-related conditions. An algorithm developed to predict the effect of missense changes on protein structure and function (PolyPhen-2) suggests that this variant is likely to be disruptive. In summary, the available evidence is currently insufficient to determine the role of this variant in disease. Therefore, it has been classified as a Variant of Uncertain Significance.

NM_001372066.1(TFAP2A):c.80C>T (p.Thr27Met)

Gene: TFAP2A (transcription factor AP-2 alpha; minus strand). Cytogenetic location: 6p24.3.
Variant type: single nucleotide variant.
Coding change: c.80C>T on transcript NM_001372066.1 (MANE Select); coding-DNA position 80, C replaced by T.
Protein change: p.Thr27Met; replaces threonine 27 with methionine.
Molecular consequence: missense variant.
Genome position (GRCh38, 1-based): chr6:10,410,307, G>A on the plus strand (C>T on the coding strand, the complement: TFAP2A is on the minus strand). VCF-style: chr6-10410307-G-A. GRCh37 (hg19) VCF-style: chr6-10410540-G-A.
Other names: c.56C>T, p.Thr19Met (NM_001032280.3); c.62C>T, p.Thr21Met (NM_001042425.3); short protein forms T27M, T19M, T21M.
Identifiers: ClinVar variation 3698762 (VCV003698762.2).
Genomic context (GRCh38, chr6:10,410,307, plus strand): 5'-AGCGGCGGGGCGCTCGTGTAGGGAGATTGACCTACAGTGCCCAGCTGGGGCAACCGTGCC[G>A]TCCCGTTGCTGGTGCCGTCGTGACGGTCCTAGAAGAGAGCGAGAGGAAAGGTAAAGAACA-3'
Protein context (NP_001358995.1, residues 17-37): EDRHDGTSNG[Thr27Met]ARLPQLGTVG